The following is an entry in ClinVar:

ClinVar aggregate classification (germline): Likely benign (1 of 4 stars; one submission).

Submission:

CeGaT Center for Human Genetics Tuebingen
Classification: Likely benign. Last evaluated: 2026-09-01. Review status: criteria provided, single submitter. Criteria: CeGaT Center For Human Genetics Tuebingen Variant Classification Criteria Version 2. Collection method: clinical testing. Allele origin: germline. Affected: yes. Observed: 1 variant allele.
Comment: FARSA: PM2:Supporting, BP4, BP7

NM_004461.3(FARSA):c.648T>G (p.Gly216=)

Gene: FARSA (phenylalanyl-tRNA synthetase subunit alpha; minus strand). Cytogenetic location: 19p13.13.
Variant type: single nucleotide variant.
Coding change: c.648T>G on transcript NM_004461.3 (MANE Select); coding-DNA position 648, T replaced by G.
Protein change: p.Gly216=; no amino-acid change (glycine 216 retained).
Molecular consequence: synonymous variant.
Genome position (GRCh38, 1-based): chr19:12,928,612, A>C on the plus strand (T>G on the coding strand, the complement: FARSA is on the minus strand). VCF-style: chr19-12928612-A-C. GRCh37 (hg19) VCF-style: chr19-13039426-A-C.
Identifiers: ClinVar variation 5040852 (VCV005040852.1).